The following is an entry in ClinVar:

NM_001276345.2(TNNT2):c.891G>C (p.Trp297Cys)

Gene: TNNT2 (troponin T2, cardiac type; minus strand). Cytogenetic location: 1q32.1.
Variant type: single nucleotide variant.
Coding change: c.891G>C on transcript NM_001276345.2 (MANE Select); coding-DNA position 891, G replaced by C.
Protein change: p.Trp297Cys; replaces tryptophan 297 with cysteine.
Molecular consequence: missense variant.
Genome position (GRCh38, 1-based): chr1:201,359,216, C>G on the plus strand (G>C on the coding strand, the complement: TNNT2 is on the minus strand). VCF-style: chr1-201359216-C-G. GRCh37 (hg19) VCF-style: chr1-201328344-C-G.
Other names: c.882G>C, p.Trp294Cys (NM_000364.4, NM_001406723.1); c.861G>C, p.Trp287Cys (NM_001001430.3, NM_001276347.2, NM_001406724.1); c.852G>C, p.Trp284Cys (NM_001001431.3, NM_001406726.1, NM_001406727.1); c.843G>C, p.Trp281Cys (NM_001001432.3); c.762G>C, p.Trp254Cys (NM_001276346.2); c.858G>C, p.Trp286Cys (NM_001406725.1); c.846G>C, p.Trp282Cys (NM_001406728.1); short protein forms W287C, W281C, W284C, W294C, W297C, W254C, W282C, W286C.
Identifiers: ClinVar variation 2940034 (VCV002940034.3), dbSNP rs730881116, ClinGen allele CA344201827.
Genomic context (GRCh38, chr1:201,359,216, plus strand): 5'-AGGCCGGAGGCAGGTGCGAGCGAGGAGCAGATCTTTGGTGAAGGAGGCCAGGCTCTATTT[C>G]CAGCGCCCGGTGACTTTAGCCTTCCCGCGGGTCTTGGAGCTGCAGGGGAAGCAGGACGCA-3'
Protein context (NP_001263274.1, residues 287-298): TRGKAKVTGR[Trp297Cys]K

ClinVar aggregate classification (germline): Uncertain significance (1 of 4 stars; one submission).

Conditions:
Dilated cardiomyopathy 1D. Identifiers: Orphanet 154, Orphanet 54260, MedGen C1832243, MONDO:0011095, OMIM 601494.
Hypertrophic cardiomyopathy 2. Also called: TNNT2-Related Familial Hypertrophic Cardiomyopathy. Identifiers: MedGen C1861864, MONDO:0007266, OMIM 115195.
Cardiomyopathy, familial restrictive, 3. Identifiers: Orphanet 75249, MedGen C2676271, MONDO:0012900, OMIM 612422.

Submission:

Labcorp Genetics (formerly Invitae), Labcorp
Classification: Uncertain significance for Cardiomyopathy, familial restrictive, 3; Hypertrophic cardiomyopathy 2; Dilated cardiomyopathy 1D. Last evaluated: 2023-12-06. Review status: criteria provided, single submitter. Criteria: Invitae Variant Classification Sherloc (09022015). Collection method: clinical testing. Allele origin: germline.
Comment: This sequence change replaces tryptophan, which is neutral and slightly polar, with cysteine, which is neutral and slightly polar, at codon 287 of the TNNT2 protein (p.Trp287Cys). This variant is not present in population databases (gnomAD no frequency). This variant has not been reported in the literature in individuals affected with TNNT2-related conditions. Advanced modeling of protein sequence and biophysical properties (such as structural, functional, and spatial information, amino acid conservation, physicochemical variation, residue mobility, and thermodynamic stability) performed at Invitae indicates that this missense variant is expected to disrupt TNNT2 protein function with a positive predictive value of 95%. In summary, the available evidence is currently insufficient to determine the role of this variant in disease. Therefore, it has been classified as a Variant of Uncertain Significance.